The following is an entry in ClinVar:

NM_019066.5(MAGEL2):c.3255C>G (p.His1085Gln)

Gene: MAGEL2 (MAGE family member L2; minus strand). Cytogenetic location: 15q11.2.
Variant type: single nucleotide variant.
Coding change: c.3255C>G on transcript NM_019066.5 (MANE Select); coding-DNA position 3255, C replaced by G.
Protein change: p.His1085Gln; replaces histidine 1085 with glutamine.
Molecular consequence: missense variant.
Genome position (GRCh38, 1-based): chr15:23,644,488, G>C on the plus strand (C>G on the coding strand, the complement: MAGEL2 is on the minus strand). VCF-style: chr15-23644488-G-C. GRCh37 (hg19) VCF-style: chr15-23889635-G-C.
Other names: short protein forms H1085Q.
Identifiers: ClinVar variation 4992278 (VCV004992278.1).
Genomic context (GRCh38, chr15:23,644,488, plus strand): 5'-TAAATAGGATGCCACCAAATTCCCTGTATGGTAGCCCAGCTTGTTGATGATAATATAGGC[G>C]TGGTTTTTGGTATCAATTTCTTTCAATTGATAACCAAAGGCACACTCCAGCTTATTGTTG-3'
Protein context (NP_061939.3, residues 1075-1095): YQLKEIDTKN[His1085Gln]AYIIINKLGY

ClinVar aggregate classification (germline): Uncertain significance (1 of 4 stars; one submission).

Conditions:
MAGEL2-related disorder. Also called: MAGEL2-related condition.

Submission:

PreventionGenetics, part of Exact Sciences
Classification: Uncertain significance for MAGEL2-related condition. Last evaluated: 2025-10-10. Review status: criteria provided, single submitter. Criteria: ACMG Guidelines, 2015. Collection method: clinical testing. Allele origin: germline.
Comment: The MAGEL2 c.3255C>G variant is predicted to result in the amino acid substitution p.His1085Gln. To our knowledge, this variant has not been reported in the literature or in a large population database (gnomAD), indicating this variant is rare. At this time, the clinical significance of this variant is uncertain due to the absence of conclusive functional and genetic evidence.